The following is an entry in ClinVar:

ClinVar aggregate classification (germline): Pathogenic/Likely pathogenic. Review status: criteria provided, multiple submitters, no conflicts (2 of 4 stars). 12 submissions from 12 submitters: Pathogenic (3); Likely pathogenic (7). 2 of the submissions do not count toward it. Last evaluated 2024-10-31.

Conditions:
Hereditary cancer-predisposing syndrome. Also called: Hereditary Cancer Syndrome; Tumor predisposition; Neoplastic Syndromes, Hereditary; Hereditary neoplastic syndrome. Identifiers: Orphanet 140162, MedGen C0027672, MeSH D009386, MONDO:0015356.
Hereditary breast ovarian cancer syndrome. Also called: Hereditary breast and ovarian cancer syndrome; Hereditary breast and ovarian cancer; Hereditary breast and ovarian cancer syndrome (HBOC); BRCA1- and BRCA2-Associated Hereditary Breast and Ovarian Cancer; Hereditary breast and/or ovarian cancer syndrome; Breast and ovarian cancer. Identifiers: Orphanet 145, MedGen C0677776, MeSH D061325, MONDO:0003582. Disease mechanism: loss of function.
Carcinoma of pancreas. Also called: Pancreatic cancer, somatic; Pancreatic carcinoma, somatic; Exocrine pancreatic carcinoma; PANCREATIC ACINAR CARCINOMA; PANCREATIC CARCINOMA. Identifiers: Orphanet 1333, Orphanet 217074, MedGen C0235974, MONDO:0005192. Disease mechanism: loss of function.
Breast-ovarian cancer, familial, susceptibility to, 2 (BROVCA2). Also called: BRCA2 Hereditary Breast and Ovarian Cancer. Identifiers: Orphanet 145, MedGen C2675520, MONDO:0012933, OMIM 612555. Disease mechanism: loss of function.
Familial cancer of breast. Also called: BREAST CANCER, FAMILIAL; hereditary breast carcinoma; Hereditary breast cancer. Identifiers: Orphanet 227535, MedGen C0346153, MONDO:0016419, OMIM 114480. Disease mechanism: loss of function.

Submissions (12):

Labcorp Genetics (formerly Invitae), Labcorp
Classification: Likely pathogenic for Hereditary breast ovarian cancer syndrome. Last evaluated: 2024-10-31. Review status: criteria provided, single submitter. Criteria: Invitae Variant Classification Sherloc (09022015). Collection method: clinical testing. Allele origin: germline.
Comment: This sequence change replaces valine, which is neutral and non-polar, with methionine, which is neutral and non-polar, at codon 159 of the BRCA2 protein (p.Val159Met). RNA analysis indicates that this missense change induces altered splicing and may result in an absent or altered protein product. This variant is not present in population databases (gnomAD no frequency). This missense change has been observed in individual(s) with hereditary breast and ovarian cancer syndrome (PMID: 18489799, 25863477, 29446198). ClinVar contains an entry for this variant (Variation ID: 51711). An algorithm developed to predict the effect of missense changes on protein structure and function (PolyPhen-2) suggests that this variant is likely to be disruptive. Experimental studies have shown that this missense change does not substantially affect BRCA2 function (PMID: 32444794). Variants that disrupt the consensus splice site are a relatively common cause of aberrant splicing (PMID: 17576681, 9536098). Studies have shown that this missense change results in skipping of exon 5, and produces a non-functional protein and/or introduces a premature termination codon (PMID: 18489799). This variant disrupts the c.475G nucleotide in the BRCA2 gene. Other variant(s) that disrupt this nucleotide have been determined to be pathogenic (internal data). This suggests that this nucleotide is clinically significant, and that variants that disrupt this position are likely to be disease-causing. In summary, the currently available evidence indicates that the variant is pathogenic, but additional data are needed to prove that conclusively. Therefore, this variant has been classified as Likely Pathogenic.

Color Diagnostics, LLC DBA Color Health
Classification: Likely pathogenic for Hereditary cancer-predisposing syndrome. Last evaluated: 2024-07-11. Review status: criteria provided, single submitter. Criteria: ACMG Guidelines, 2015. Collection method: clinical testing. Allele origin: germline.
Comment: This variant substitutes a conserved guanine with an adenine at the last nucleotide of exon 5 in the BRCA2 gene. An RNA study has reported that this variant in two unrelated carriers resulted in the out-of-frame skipping of exon 5, although whether this variant transcript produced any full-length transcripts could not be determined (PMID: 18489799). Furthermore, this variant and a similar c.475G>C change both have been reported to cause the skipping of exon 5 or an unspecified splicing defect (ClinVar accession: SCV000275357.8, SCV004310835.1). Exon 5 skipping is expected to result in an absent or nonfunctional protein product. This variant has been reported in at least one individual affected with ovarian cancer, two individuals affected with breast cancer (PMID: 22798144, 25863477, 28008555, 30322717, 33471991) and in suspected hereditary breast and ovarian cancer families (PMID: 18489799, 28111427, 29446198). A multifactorial analysis has reported a likelihood ratio for pathogenicity based on personal and family history of approximately 19.57 (from report log(LR) = 1.29151535) (PMID: 31853058). This variant has not been identified in the general population by the Genome Aggregation Database (gnomAD). Loss of BRCA2 function is a known mechanism of disease. Based on the available evidence, this variant is classified as Likely Pathogenic.

Ambry Genetics
Classification: Pathogenic for Hereditary cancer-predisposing syndrome. Last evaluated: 2023-07-22. Review status: criteria provided, single submitter. Criteria: Ambry Variant Classification Scheme 2023. Collection method: clinical testing. Allele origin: germline.
Comment: The c.475G>A pathogenic variant (also known as p.V159M), located in coding exon 4 of the BRCA2 gene, results from a G to A substitution at nucleotide position 475. The amino acid change results in valine to methionine at codon 159, an amino acid with highly similar properties. This alteration has been reported in multiple breast and/or ovarian cancer cohorts (Kim H et al. Breast Cancer Res. Treat. 2012 Aug; 134(3):1315-26; Park JS et al. Cancer Res Treat. 2017 Jan; Pritzlaff M et al. Breast Cancer Res. Treat. 2017 Feb;161:575-586). This change occurs in the last base pair of coding exon 4, which makes it likely to have some effect on normal mRNA splicing and RNA studies have demonstrated that this alteration results in abnormal splicing in the set of samples tested (Ambry internal data; Machackova E et al. BMC Cancer. 2008; 8:140). In silico splice site analysis predicts that this alteration will weaken the native splice donor site. Based on the majority of available evidence to date, this alteration is interpreted as a disease-causing mutation.

Quest Diagnostics Nichols Institute San Juan Capistrano
Classification: Likely pathogenic. Last evaluated: 2023-07-07. Review status: criteria provided, single submitter. Criteria: Quest Diagnostics criteria. Collection method: clinical testing. Allele origin: unknown.
Comment: The BRCA2 c.475G>A (p.Val159Met) variant has been reported in the published literature in individuals affected with breast/ovarian cancer (PMIDs: 22798144 (2012), 28008555 (2017), 30322717 (2018), 33471991 (2021), see also LOVD). The variant was also reported to be enriched in a cohort of Korean breast/ovarian cancer patients (PMID: 28111427 (2017)). Another study reported that this variant interferes with proper BRCA2 mRNA splicing and causes exon skipping in two unrelated breast cancer patients, though the authors could not determine if any full length transcript was produced (PMID: 18489799 (2008)). This variant has not been reported in large, multi-ethnic general populations (Genome Aggregation Database). Analysis of this variant using software algorithms for the prediction of the effect of nucleotide changes on splicing yielded predictions that this variant may affect proper BRCA2 mRNA splicing. Based on the available information, this variant is classified as likely pathogenic.

Baylor Genetics
Classification: Likely pathogenic for Familial cancer of breast. Last evaluated: 2023-02-10. Review status: criteria provided, single submitter. Criteria: ACMG Guidelines, 2015. Collection method: clinical testing. Allele origin: unknown.

GeneDx
Classification: Likely pathogenic. Last evaluated: 2022-10-11. Review status: criteria provided, single submitter. Criteria: GeneDx Variant Classification Process June 2021. Collection method: clinical testing. Allele origin: germline. Affected: yes.
Comment: Not observed at significant frequency in large population cohorts (gnomAD); Exonic splice variant demonstrated to result in aberrant splicing, leading to an abnormal message that is subject to nonsense-mediated mRNA decay or to an abnormal protein product (Machackova et al., 2008); In silico analysis supports a deleterious effect on splicing; In silico analysis supports that this missense variant does not alter protein structure/function; Also known as 703G>A; This variant is associated with the following publications: (PMID: 24312913, 22798144, 25863477, 28008555, 29387975, 28111427, 31589614, 32444794, 30322717, 31911673, 33050356, 29446198, 33471991, 18489799)

Sema4
Classification: Likely pathogenic for Hereditary cancer-predisposing syndrome. Last evaluated: 2021-10-22. Review status: criteria provided, single submitter. Criteria: Sema4 Curation Guidelines. Collection method: curation. Allele origin: germline.
Comment: The BRCA2 c.475G>A (p.V159M) variant has been reported in individuals with breast and/or ovarian cancer (PMID: 30322717, 28008555, 25863477, 22798144, 18489799, 33471991, 28111427). This variant is located in the last base pair of exon 5. Transcriptional studies have shown that this variant alters splicing leading to aberrant transcripts (PMID: 18489799). At this location, this is predicted to result in absent protein (loss of function). Loss of function variants in BRCA2 are known to be pathogenic (PMID: 29446198). It was not observed in the Genome Aggregation Database (PMID: 32461654). The variant has been reported in ClinVar (Variation ID 51711). Based on the current evidence available, this variant is interpreted as likely pathogenic.

Genetics and Molecular Pathology, SA Pathology
Classification: Pathogenic for Breast-ovarian cancer, familial, susceptibility to, 2. Last evaluated: 2021-08-13. Review status: criteria provided, single submitter. Criteria: ACMG Guidelines, 2015. Collection method: clinical testing. Allele origin: germline. Affected: yes.

Institute of Medical Genetics and Applied Genomics, University Hospital Tübingen
Classification: Likely pathogenic. Last evaluated: 2020-10-23. Review status: criteria provided, single submitter. Criteria: ACMG Guidelines, 2015. Collection method: clinical testing. Allele origin: germline. Inheritance: Unknown mechanism. Affected: yes.

Consortium of Investigators of Modifiers of BRCA1/2 (CIMBA), c/o University of Cambridge
Classification: Pathogenic for Breast-ovarian cancer, familial, susceptibility to, 2. Last evaluated: 2015-10-02. Review status: criteria provided, single submitter. Criteria: CIMBA Mutation Classification guidelines May 2016. Collection method: clinical testing. Allele origin: germline.

CZECANCA consortium
Classification: Pathogenic for Carcinoma of pancreas. Last evaluated: 2021-03-04. Review status: no assertion criteria provided. Collection method: clinical testing. Allele origin: germline. Affected: yes. Observed: 1 variant allele. Not counted in ClinVar's aggregate classification.

Breast Cancer Information Core (BIC) (BRCA2)
Classification: Pathogenic for Breast-ovarian cancer, familial 2. Last evaluated: 2005-09-27. Review status: no assertion criteria provided. Collection method: clinical testing. Allele origin: germline. Affected: yes. Observed: 2 variant alleles. Not counted in ClinVar's aggregate classification.

Literature cited by the submitters: PubMed 18489799 (cited by 5 submitters); PubMed 25863477 (cited by 4 submitters); PubMed 29446198 (cited by 4 submitters); PubMed 32444794 (cited by Labcorp Genetics (formerly Invitae), Labcorp and Quest Diagnostics Nichols Institute San Juan Capistrano); PubMed 17576681 (cited by Labcorp Genetics (formerly Invitae), Labcorp); PubMed 9536098 (cited by Labcorp Genetics (formerly Invitae), Labcorp); PubMed 22798144 (cited by 4 submitters); PubMed 28008555 (cited by 4 submitters); PubMed 28111427 (cited by 4 submitters); PubMed 30322717 (cited by 3 submitters); PubMed 31853058 (cited by Color Diagnostics, LLC DBA Color Health and Quest Diagnostics Nichols Institute San Juan Capistrano); PubMed 33471991 (cited by 3 submitters); PubMed 24312913 (cited by Ambry Genetics); PubMed 31589614 (cited by Quest Diagnostics Nichols Institute San Juan Capistrano).

NM_000059.4(BRCA2):c.475G>A (p.Val159Met)

Gene: BRCA2 (BRCA2 DNA repair associated; plus strand). Cytogenetic location: 13q13.1.
Variant type: single nucleotide variant.
Coding change: c.475G>A on transcript NM_000059.4 (MANE Select); coding-DNA position 475, G replaced by A.
Protein change: p.Val159Met; replaces valine 159 with methionine.
Molecular consequence: missense variant.
Genome position (GRCh38, 1-based): chr13:32,326,150, G>A. VCF-style: chr13-32326150-G-A. GRCh37 (hg19) VCF-style: chr13-32900287-G-A.
Other names: short protein forms V159M.
Identifiers: ClinVar variation 51711 (VCV000051711.30), dbSNP rs80358702, ClinGen allele CA020781.